The following is an entry in ClinVar:

NM_003002.4(SDHD):c.405C>A (p.Thr135=)

Gene: SDHD (succinate dehydrogenase complex subunit D; plus strand). Cytogenetic location: 11q23.1.
Variant type: single nucleotide variant.
Coding change: c.405C>A on transcript NM_003002.4 (MANE Select); coding-DNA position 405, C replaced by A.
Protein change: p.Thr135=; no amino-acid change (threonine 135 retained).
Molecular consequence: synonymous variant. On other transcripts: 3 prime UTR variant (2), non-coding transcript variant (1).
Genome position (GRCh38, 1-based): chr11:112,094,895, C>A. VCF-style: chr11-112094895-C-A. GRCh37 (hg19) VCF-style: chr11-111965619-C-A.
Other names: c.405C>A (NM_003002.2); c.*2C>A (NM_001276503.2); c.288C>A, p.Thr96= (NM_001276504.2); c.*103C>A (NM_001276506.2).
Identifiers: ClinVar variation 465237 (VCV000465237.11), dbSNP rs1555187606, ClinGen allele CA476790954.

ClinVar aggregate classification (germline): Benign/Likely benign. Review status: criteria provided, multiple submitters, no conflicts (2 of 4 stars). 4 submissions from 4 submitters: Benign (1); Likely benign (3). Last evaluated 2026-02-04.

Conditions:
Hereditary cancer-predisposing syndrome. Also called: Neoplastic Syndromes, Hereditary; Hereditary neoplastic syndrome; Tumor predisposition; Hereditary Cancer Syndrome. Identifiers: Orphanet 140162, MedGen C0027672, MeSH D009386, MONDO:0015356.
Paragangliomas with sensorineural hearing loss. Identifiers: MedGen C1868633.
Pheochromocytoma. Also called: MAX-Related Hereditary Paraganglioma-Pheochromocytoma Syndrome. Identifiers: Orphanet 29072, MedGen C0031511, MONDO:0008233, OMIM 171300, HP:0002666.
Cowden syndrome 3 (CWS3). Identifiers: Orphanet 201, MedGen CN166604, MONDO:0014045.
Carney-Stratakis syndrome. Also called: PARAGANGLIOMA AND GASTROINTESTINAL STROMAL TUMOR. Identifiers: Orphanet 97286, MedGen C1847319, MONDO:0011740, OMIM 606864.
Hereditary pheochromocytoma and paraganglioma. Also called: Hereditary Paraganglioma-Pheochromocytoma Syndromes; Hereditary paragangliomas and pheochromocytomas; Hereditary pheochromocytoma-paraganglioma. Identifiers: Orphanet 29072, MedGen C4274332, MONDO:0017366.
Pheochromocytoma/paraganglioma syndrome 1. Also called: Paragangliomas 1; Glomus tumors familial 1; Paraganglioma - glomus jugulare; SDHD-Related Hereditary Paraganglioma-Pheochromocytoma Syndrome; PARAGANGLIOMAS, FAMILIAL NONCHROMAFFIN, 1; PGL 1. Identifiers: Orphanet 29072, MedGen C3494181, MONDO:0008192, OMIM 168000.

Allele frequency attached by ClinVar (database versions not stated): gnomAD exomes below 0.00001; gnomAD 0.00001.
gnomAD v4.1: 7 of 1,611,348 alleles (0.00043%); highest among the groups gnomAD compares: Non-Finnish European, 0.00059%; no homozygotes.

Submissions (4):

Labcorp Genetics (formerly Invitae), Labcorp
Classification: Likely benign for Carney-Stratakis syndrome; Paragangliomas with sensorineural hearing loss; Pheochromocytoma; Cowden syndrome 3. Last evaluated: 2026-02-04. Review status: criteria provided, single submitter. Criteria: Invitae Variant Classification Sherloc (09022015). Collection method: clinical testing. Allele origin: germline.

Color Diagnostics, LLC DBA Color Health
Classification: Likely benign for Hereditary pheochromocytoma and paraganglioma. Last evaluated: 2025-08-14. Review status: criteria provided, single submitter. Criteria: ACMG Guidelines, 2015. Collection method: clinical testing. Allele origin: germline.

Myriad Genetics, Inc.
Classification: Benign for Pheochromocytoma/paraganglioma syndrome 1. Last evaluated: 2025-03-18. Review status: criteria provided, single submitter. Criteria: Myriad Autosomal Dominant, Autosomal Recessive and X-Linked Classification Criteria (2023). Collection method: clinical testing. Allele origin: unknown.
Comment: This variant is considered benign. This variant is a silent/synonymous amino acid change and it is not expected to impact splicing.

Ambry Genetics
Classification: Likely benign for Hereditary cancer-predisposing syndrome. Last evaluated: 2023-10-31. Review status: criteria provided, single submitter. Criteria: Ambry Variant Classification Scheme 2023. Collection method: clinical testing. Allele origin: germline.